The following is an entry in ClinVar:

ClinVar aggregate classification (germline): Benign (1 of 4 stars; one submission).

Conditions:
Autosomal recessive nonsyndromic hearing loss 67. Identifiers: Orphanet 90636, MedGen C1853223, MONDO:0012460, OMIM 610265.

Allele frequency attached by ClinVar (database versions not stated): gnomAD 0.12662 and 0.12785; 1000 Genomes Project 0.38379.

Submission:

Illumina Laboratory Services, Illumina
Classification: Benign for Autosomal recessive nonsyndromic hearing loss 67. Last evaluated: 2018-01-13. Review status: criteria provided, single submitter. Criteria: ICSL Variant Classification Criteria 13 December 2019. Collection method: clinical testing. Allele origin: germline.
Comment: This variant was observed in the ICSL laboratory as part of a predisposition screen in an ostensibly healthy population. It had not been previously curated by ICSL or reported in the Human Gene Mutation Database (HGMD: prior to June 1st, 2018), and was therefore a candidate for classification through an automated scoring system. Utilizing variant allele frequency, disease prevalence and penetrance estimates, and inheritance mode, an automated score was calculated to assess if this variant is too frequent to cause the disease. Based on the score and internal cut-off values, a variant classified as benign is not then subjected to further curation. The score for this variant resulted in a classification of benign for this disease.

NM_182548.4(LHFPL5):c.*483T>C

Gene: LHFPL5 (LHFPL tetraspan subfamily member 5; plus strand). Cytogenetic location: 6p21.31.
Variant type: single nucleotide variant.
Coding change: c.*483T>C on transcript NM_182548.4 (MANE Select); 483 bases downstream of the stop codon, T replaced by C.
Molecular consequence: 3 prime UTR variant.
Genome position (GRCh38, 1-based): chr6:35,823,448, T>C. VCF-style: chr6-35823448-T-C. GRCh37 (hg19) VCF-style: chr6-35791225-T-C.
Identifiers: ClinVar variation 356521 (VCV000356521.5), dbSNP rs2766531, ClinGen allele CA10626558.
Genomic context (GRCh38, chr6:35,823,448, plus strand): 5'-TACACACACACACACACACACACACACACACACACACATACATACACACACACATATATA[T>C]ACACACACACACACACACACACACACACACTCTCTCTCTCTCTCAAACACACACAAATGC-3'